The following is an entry in ClinVar:

NM_017882.3(CLN6):c.83+6C>T

Gene: CLN6 (CLN6 transmembrane ER protein; minus strand). Cytogenetic location: 15q23.
Variant type: single nucleotide variant.
Coding change: c.83+6C>T on transcript NM_017882.3 (MANE Select); 6 bases into the intron after coding-DNA position 83, C replaced by T.
Molecular consequence: intron variant.
Genome position (GRCh38, 1-based): chr15:68,229,496, G>A on the plus strand (C>T on the coding strand, the complement: CLN6 is on the minus strand). VCF-style: chr15-68229496-G-A. GRCh37 (hg19) VCF-style: chr15-68521834-G-A.
Identifiers: ClinVar variation 2076603 (VCV002076603.4), dbSNP rs1416137982, ClinGen allele CA490917455.

ClinVar aggregate classification (germline): Conflicting classifications of pathogenicity. Review status: criteria provided, conflicting classifications (1 of 4 stars). 3 submissions from 3 submitters: Uncertain significance (2); Likely benign (1). Last evaluated 2026-05-01.

Conditions:
Neuronal ceroid lipofuscinosis. Also called: Neuronal Ceroid Lipofuscinoses. Identifiers: Orphanet 216, Orphanet 79263, MedGen C0027877, MONDO:0016295. Disease mechanism: loss of function.

Allele frequency attached by ClinVar (database versions not stated): TOPMed 0.00001.
gnomAD v4.1: 50 of 1,462,710 alleles (0.0034%); highest among the groups gnomAD compares: Non-Finnish European, 0.0043%; no homozygotes.

Submissions (3):

Women's Health and Genetics/Laboratory Corporation of America, LabCorp
Classification: Uncertain significance. Last evaluated: 2026-05-01. Review status: criteria provided, single submitter. Criteria: LabCorp Variant Classification Summary - May 2015. Collection method: clinical testing. Allele origin: germline.

Labcorp Genetics (formerly Invitae), Labcorp
Classification: Uncertain significance for Neuronal ceroid lipofuscinosis. Last evaluated: 2024-06-14. Review status: criteria provided, single submitter. Criteria: Invitae Variant Classification Sherloc (09022015). Collection method: clinical testing. Allele origin: germline.
Comment: This sequence change falls in intron 1 of the CLN6 gene. It does not directly change the encoded amino acid sequence of the CLN6 protein. It affects a nucleotide within the consensus splice site. The frequency data for this variant in the population databases is considered unreliable, as metrics indicate poor data quality at this position in the gnomAD database. This variant has not been reported in the literature in individuals affected with CLN6-related conditions. ClinVar contains an entry for this variant (Variation ID: 2076603). Variants that disrupt the consensus splice site are a relatively common cause of aberrant splicing (PMID: 17576681, 9536098). Algorithms developed to predict the effect of sequence changes on RNA splicing suggest that this variant is not likely to affect RNA splicing. In summary, the available evidence is currently insufficient to determine the role of this variant in disease. Therefore, it has been classified as a Variant of Uncertain Significance.

Blueprint Genetics
Classification: Likely benign. Last evaluated: 2020-06-15. Review status: criteria provided, single submitter. Criteria: ACMG Guidelines, 2015. Collection method: clinical testing. Allele origin: germline.

Literature cited by the submitters: PubMed 17576681 (cited by Labcorp Genetics (formerly Invitae), Labcorp); PubMed 9536098 (cited by Labcorp Genetics (formerly Invitae), Labcorp).